The following is an entry in ClinVar:

NM_001252024.2(TRPM1):c.75C>T (p.Asp25=)

Gene: TRPM1 (transient receptor potential cation channel subfamily M member 1; minus strand). Cytogenetic location: 15q13.3.
Variant type: single nucleotide variant.
Coding change: c.75C>T on transcript NM_001252024.2 (MANE Select); coding-DNA position 75, C replaced by T.
Protein change: p.Asp25=; no amino-acid change (aspartic acid 25 retained).
Molecular consequence: synonymous variant.
Genome position (GRCh38, 1-based): chr15:31,076,913, G>A on the plus strand (C>T on the coding strand, the complement: TRPM1 is on the minus strand). VCF-style: chr15-31076913-G-A. GRCh37 (hg19) VCF-style: chr15-31369116-G-A.
Other names: c.126C>T, p.Asp42= (NM_001252020.2); c.9C>T, p.Asp3= (NM_001252030.2, NM_002420.6); c.126C>T (NM_001252020.1).
Identifiers: ClinVar variation 315539 (VCV000315539.11), dbSNP rs777321357, ClinGen allele CA7453125.

ClinVar aggregate classification (germline): Conflicting classifications of pathogenicity. Review status: criteria provided, conflicting classifications (1 of 4 stars). 4 submissions from 4 submitters: Uncertain significance (1); Likely benign (3). Last evaluated 2026-08-01.

Conditions:
Congenital stationary night blindness 1C. Also called: Night blindness, congenital stationary (complete), 1C, autosomal recessive. Identifiers: Orphanet 215, MedGen C2750747, MONDO:0013183, OMIM 613216.
TRPM1-related disorder. Also called: TRPM1-related condition.

Allele frequency attached by ClinVar (database versions not stated): gnomAD exomes 0.00002 and 0.00001; ExAC 0.00001; gnomAD 0.00001; TOPMed 0.00001.
gnomAD v4.1: 21 of 1,603,900 alleles (0.0013%); highest among the groups gnomAD compares: Non-Finnish European, 0.0017%; no homozygotes.

Submissions (4):

PreventionGenetics, part of Exact Sciences
Classification: Likely benign for TRPM1-related condition. Last evaluated: 2026-08-01. Review status: criteria provided, single submitter. Criteria: ACMG Guidelines, 2015. Collection method: clinical testing. Allele origin: germline.
Comment: This variant is classified as likely benign based on ACMG/AMP sequence variant interpretation guidelines (Richards et al. 2015 PMID: 25741868, with internal and published modifications).

Labcorp Genetics (formerly Invitae), Labcorp
Classification: Likely benign. Last evaluated: 2025-05-05. Review status: criteria provided, single submitter. Criteria: Invitae Variant Classification Sherloc (09022015). Collection method: clinical testing. Allele origin: germline.

Blueprint Genetics
Classification: Likely benign. Last evaluated: 2020-02-21. Review status: criteria provided, single submitter. Criteria: ACMG Guidelines, 2015. Collection method: clinical testing. Allele origin: germline.

Illumina Laboratory Services, Illumina
Classification: Uncertain significance for Congenital stationary night blindness 1C. Last evaluated: 2018-01-12. Review status: criteria provided, single submitter. Criteria: ICSL Variant Classification Criteria 13 December 2019. Collection method: clinical testing. Allele origin: germline.